The following is an entry in ClinVar:

ClinVar aggregate classification (germline): Uncertain significance (1 of 4 stars; one submission).

Conditions:
Hypoplastic left heart syndrome. Also called: Hypoplastic left ventricle; Hypoplastic left heart. Identifiers: Orphanet 2248, MedGen C0152101, MONDO:0004933, HP:0004383.

Allele frequency attached by ClinVar (database versions not stated): TOPMed below 0.00001; gnomAD 0.00001; gnomAD exomes 0.00001.

Submission:

Labcorp Genetics (formerly Invitae), Labcorp
Classification: Uncertain significance for Hypoplastic left heart syndrome. Last evaluated: 2023-05-25. Review status: criteria provided, single submitter. Criteria: Invitae Variant Classification Sherloc (09022015). Collection method: clinical testing. Allele origin: germline.
Comment: This sequence change replaces glutamic acid, which is acidic and polar, with glycine, which is neutral and non-polar, at codon 160 of the HAND1 protein (p.Glu160Gly). In summary, the available evidence is currently insufficient to determine the role of this variant in disease. Therefore, it has been classified as a Variant of Uncertain Significance. An algorithm developed to predict the effect of missense changes on protein structure and function (PolyPhen-2) suggests that this variant is likely to be tolerated. This variant has not been reported in the literature in individuals affected with HAND1-related conditions. This variant is present in population databases (no rsID available, gnomAD 0.002%).

NM_004821.3(HAND1):c.479A>G (p.Glu160Gly)

Gene: HAND1 (heart and neural crest derivatives expressed 1; minus strand). Cytogenetic location: 5q33.2.
Variant type: single nucleotide variant.
Coding change: c.479A>G on transcript NM_004821.3 (MANE Select); coding-DNA position 479, A replaced by G.
Protein change: p.Glu160Gly; replaces glutamic acid 160 with glycine.
Molecular consequence: missense variant.
Genome position (GRCh38, 1-based): chr5:154,477,530, T>C on the plus strand (A>G on the coding strand, the complement: HAND1 is on the minus strand). VCF-style: chr5-154477530-T-C. GRCh37 (hg19) VCF-style: chr5-153857090-T-C.
Other names: short protein forms E160G.
Identifiers: ClinVar variation 2869781 (VCV002869781.3), dbSNP rs987403652, ClinGen allele CA130059728.
Genomic context (GRCh38, chr5:154,477,530, plus strand): 5'-TCCCTTTTCCGCTTGCTCTCACGGCCGCCATCCGCCTTCTTGAGTTCAGCCTTGAAGGCC[T>C]CGGGATCGCCAGACTGTGCATCCTTGGCCAGCACGTCCATCAGGTAGGCGATGTAGCTGG-3'
Protein context (NP_004812.1, residues 150-170): LAKDAQSGDP[Glu160Gly]AFKAELKKAD